The following is an entry in ClinVar:

ClinVar aggregate classification (germline): Pathogenic (1 of 4 stars; one submission).

Conditions:
Legius syndrome. Identifiers: Orphanet 137605, MedGen C1969623, MONDO:0012669, OMIM 611431. Disease mechanism: loss of function.

Submission:

Labcorp Genetics (formerly Invitae), Labcorp
Classification: Pathogenic for Legius syndrome. Last evaluated: 2017-06-26. Review status: criteria provided, single submitter. Criteria: Invitae Variant Classification Sherloc (09022015). Collection method: clinical testing. Allele origin: germline.
Comment: A different truncation downstream of this variant (p.Gly385Ilefs*20) has been determined to be pathogenic (PMID: 19920235, 19443465, 21089071, 17704776). This suggests that deletion of this region of the SPRED1 protein is causative of disease. For these reasons, this variant has been classified as Pathogenic. This variant has not been reported in the literature in individuals with SPRED1-related disease. This variant is not present in population databases (ExAC no frequency). This sequence change results in a premature translational stop signal in the SPRED1 gene (p.Ser367Alafs*38). While this is not anticipated to result in nonsense mediated decay, it is expected to disrupt the last 78 amino acids of the SPRED1 protein.

Literature cited by the submitters: PubMed 19920235; PubMed 19443465; PubMed 21089071; PubMed 17704776.

NM_152594.3(SPRED1):c.1099_1102del (p.Ser367fs)

Gene: SPRED1 (sprouty related EVH1 domain containing 1; plus strand). Cytogenetic location: 15q14.
Variant type: Microsatellite.
Coding change: c.1099_1102del on transcript NM_152594.3 (MANE Select); coding-DNA positions 1099 to 1102, 4 bases deleted (AGTT; older notation c.1099_1102delAGTT).
Protein change: p.Ser367fs; shifts the reading frame from serine 367.
Molecular consequence: frameshift variant.
Genome position (GRCh38, 1-based): chr15:38,351,428-38,351,431, AGTT deleted; deleting any 4 consecutive bases within chr15:38,351,424-38,351,431 gives the same sequence; the c. name uses the placement nearest the transcript's 3' end. VCF-style (leftmost placement, unchanged base first): chr15-38351423-AAGTT-A. GRCh37 (hg19) VCF-style: chr15-38643624-AAGTT-A.
Other names: short protein forms S367fs.
Identifiers: ClinVar variation 468788 (VCV000468788.9), dbSNP rs1555392783, ClinGen allele CA658658278.